The following is an entry in ClinVar:

NM_003159.2(CDKL5):c.2798_2800delGAG

Genes: CDKL5 (cyclin dependent kinase like 5; plus strand), RS1 (retinoschisin 1; minus strand). Cytogenetic location: Xp22.13.
Variant type: Deletion.
Coding change: c.2798_2800delGAG on transcript NM_003159.2; coding-DNA positions 2798 to 2800, 3 bases deleted (GAG).
Molecular consequence: intron variant (on NM_000330.4).
Genome position (GRCh38, 1-based): chrX:18,650,410-18,650,412, GAG deleted; deleting any 3 consecutive bases within chrX:18,650,408-18,650,412 gives the same sequence; the c. name uses the placement nearest the transcript's 3' end. VCF-style (leftmost placement, unchanged base first): chrX-18650407-CAGG-C. GRCh37 (hg19) VCF-style: chrX-18668527-CAGG-C.
Other names: c.185-3078_185-3076del (NM_000330.4).
Identifiers: ClinVar variation 426752 (VCV000426752.4), dbSNP rs1085307780, ClinGen allele CA645294127.
Genomic context (GRCh38, chrX:18,650,407, plus strand): 5'-GGGAGCCGATGCCTGCCTCCCGGGCCCCAAGCTTCATTCCACTGCCCTCTGAATATTTTC[CAGG>C]AGAATACTTCTGCTGTGGTGACCCAAAGAAGCCTCACACTCCGTGCGTCCCAAACCGAGC-3'

ClinVar aggregate classification (germline): Uncertain significance (1 of 4 stars; one submission).

Submission:

GeneDx
Classification: Uncertain significance. Last evaluated: 2017-04-05. Review status: criteria provided, single submitter. Criteria: GeneDx Variant Classification (06012015). Collection method: clinical testing. Allele origin: germline. Affected: yes.
Comment: The c.2798_2800delGAG variant in the CDKL5 gene has not been reported previously as a pathogenic variant, nor as a benign variant, to our knowledge. This variant is not observed in large population cohorts (Lek et al., 2016; 1000 Genomes Consortium et al., 2015; Exome Variant Server). The c.2798_2800delGAG variant results in an in-frame deletion of a single Glycine residue. However, this position is not conserved and in silico analysis predicts the deletion of this residue likely does not alter the protein structure/function. Other in-frame deletions or missense variants have not been reported at nearby residues in the Human Gene Mutation Database (Stenson et al., 2014). We interpret c.2798_2800delGAG as a variant of uncertain significance.